The following is an entry in ClinVar:

ClinVar aggregate classification (germline): Uncertain significance. Review status: criteria provided, multiple submitters, no conflicts (2 of 4 stars). 2 submissions from 2 submitters: Uncertain significance (2). Last evaluated 2023-02-24.

Conditions:
Catecholaminergic polymorphic ventricular tachycardia (CVPT). Also called: Catecholamine-induced polymorphic ventricular tachycardia. Identifiers: Orphanet 3286, MedGen C5574922, MONDO:0017990.

Submissions (2):

All of Us Research Program, National Institutes of Health
Classification: Uncertain significance for Catecholaminergic polymorphic ventricular tachycardia. Last evaluated: 2023-02-24. Review status: criteria provided, single submitter. Criteria: ACMG Guidelines, 2015. Collection method: clinical testing. Allele origin: germline. Inheritance: Autosomal dominant inheritance. Observed: 1 variant allele, 1 heterozygote.
Comment: This missense variant replaces asparagine with aspartic acid at codon 2210 of the RYR2 protein. Computational prediction suggests that this variant may have deleterious impact on protein structure and function (internally defined REVEL score threshold >= 0.7, PMID: 27666373). To our knowledge, functional studies have not been reported for this variant. This variant has not been reported in individuals affected with RYR2-related disorders in the literature. This variant has not been identified in the general population by the Genome Aggregation Database (gnomAD). The available evidence is insufficient to determine the role of this variant in disease conclusively. Therefore, this variant is classified as a Variant of Uncertain Significance.

This study involves interpretation of variants in research participants for the purpose of population health screening. Participant phenotype was not available at the time of variant classification. Additional details can be found in publication PMID: 35346344, PMCID: PMC8962531

GeneDx
Classification: Uncertain significance. Last evaluated: 2019-04-02. Review status: criteria provided, single submitter. Criteria: GeneDx Variant Classification Process June 2021. Collection method: clinical testing. Allele origin: germline. Affected: yes.
Comment: Not observed in large population cohorts (Lek et al., 2016); In silico analysis, which includes protein predictors and evolutionary conservation, supports a deleterious effect; Has not been previously published as pathogenic or benign to our knowledge

NM_001035.3(RYR2):c.6628A>G (p.Asn2210Asp)

Gene: RYR2 (ryanodine receptor 2; plus strand). Cytogenetic location: 1q43.
Variant type: single nucleotide variant.
Coding change: c.6628A>G on transcript NM_001035.3 (MANE Select); coding-DNA position 6628, A replaced by G.
Protein change: p.Asn2210Asp; replaces asparagine 2210 with aspartic acid.
Molecular consequence: missense variant.
Genome position (GRCh38, 1-based): chr1:237,633,650, A>G. VCF-style: chr1-237633650-A-G. GRCh37 (hg19) VCF-style: chr1-237796950-A-G.
Other names: short protein forms N2210D.
Identifiers: ClinVar variation 1188734 (VCV001188734.3), dbSNP rs2148700892, ClinGen allele CA075001.